The following is an entry in ClinVar:

NM_002439.5(MSH3):c.2425G>A (p.Asp809Asn)

Gene: MSH3 (mutS homolog 3; plus strand). Cytogenetic location: 5q14.1.
Variant type: single nucleotide variant.
Coding change: c.2425G>A on transcript NM_002439.5 (MANE Select); coding-DNA position 2425, G replaced by A.
Protein change: p.Asp809Asn; replaces aspartic acid 809 with asparagine.
Molecular consequence: missense variant.
Genome position (GRCh38, 1-based): chr5:80,778,826, G>A. VCF-style: chr5-80778826-G-A. GRCh37 (hg19) VCF-style: chr5-80074645-G-A.
Other names: c.2425G>A (NM_002439.3); short protein forms D809N.
Identifiers: ClinVar variation 665250 (VCV000665250.11), dbSNP rs547383433, ClinGen allele CA121328270.

ClinVar aggregate classification (germline): Uncertain significance. Review status: criteria provided, multiple submitters, no conflicts (2 of 4 stars). 2 submissions from 2 submitters: Uncertain significance (2). Last evaluated 2025-09-11.

Conditions:
Hereditary cancer-predisposing syndrome. Also called: Tumor predisposition; Hereditary neoplastic syndrome; Neoplastic Syndromes, Hereditary; Hereditary Cancer Syndrome. Identifiers: Orphanet 140162, MedGen C0027672, MeSH D009386, MONDO:0015356.

Submissions (2):

Ambry Genetics
Classification: Uncertain significance for Hereditary cancer-predisposing syndrome. Last evaluated: 2025-09-11. Review status: criteria provided, single submitter. Criteria: Ambry Variant Classification Scheme 2023. Collection method: clinical testing. Allele origin: germline.
Comment: The p.D809N variant (also known as c.2425G>A), located in coding exon 17 of the MSH3 gene, results from a G to A substitution at nucleotide position 2425. The aspartic acid at codon 809 is replaced by asparagine, an amino acid with highly similar properties. This amino acid position is poorly conserved in available vertebrate species. In addition, this alteration is predicted to be tolerated by in silico analysis. Since supporting evidence is limited at this time, the clinical significance of this alteration remains unclear.

Labcorp Genetics (formerly Invitae), Labcorp
Classification: Uncertain significance. Last evaluated: 2025-08-26. Review status: criteria provided, single submitter. Criteria: Invitae Variant Classification Sherloc (09022015). Collection method: clinical testing. Allele origin: germline.
Comment: This sequence change replaces aspartic acid, which is acidic and polar, with asparagine, which is neutral and polar, at codon 809 of the MSH3 protein (p.Asp809Asn). This variant is not present in population databases (gnomAD no frequency). This variant has not been reported in the literature in individuals affected with MSH3-related conditions. ClinVar contains an entry for this variant (Variation ID: 665250). An algorithm developed to predict the effect of missense changes on protein structure and function outputs the following: PolyPhen-2: "Benign". The asparagine amino acid residue is found in multiple mammalian species, which suggests that this missense change does not adversely affect protein function. In summary, the available evidence is currently insufficient to determine the role of this variant in disease. Therefore, it has been classified as a Variant of Uncertain Significance.